The following is an entry in ClinVar:

ClinVar aggregate classification (germline): Uncertain significance (1 of 4 stars; one submission).

Submission:

GeneDx
Classification: Uncertain significance. Last evaluated: 2020-06-04. Review status: criteria provided, single submitter. Criteria: GeneDx Variant Classification Process June 2021. Collection method: clinical testing. Allele origin: germline. Affected: yes.
Comment: Not observed in large population cohorts (Lek et al., 2016); In silico analysis supports that this missense variant has a deleterious effect on protein structure/function; The majority of missense variants in this gene are considered pathogenic (Stenson et al., 2014); Has not been previously published as pathogenic or benign to our knowledge

NM_006086.4(TUBB3):c.1091C>T (p.Ser364Phe)

Gene: TUBB3 (tubulin beta 3 class III; plus strand). Cytogenetic location: 16q24.3.
Variant type: single nucleotide variant.
Coding change: c.1091C>T on transcript NM_006086.4 (MANE Select); coding-DNA position 1091, C replaced by T.
Protein change: p.Ser364Phe; replaces serine 364 with phenylalanine.
Molecular consequence: missense variant.
Genome position (GRCh38, 1-based): chr16:89,935,542, C>T. VCF-style: chr16-89935542-C-T. GRCh37 (hg19) VCF-style: chr16-90001950-C-T.
Other names: c.875C>T, p.Ser292Phe (NM_001197181.2); short protein forms S292F, S364F.
Identifiers: ClinVar variation 1211711 (VCV001211711.3), dbSNP rs2151093047, ClinGen allele CA397476702.